The following is an entry in ClinVar:

NM_014915.3(ANKRD26):c.2855A>C (p.Lys952Thr)

Gene: ANKRD26 (ankyrin repeat domain 26; minus strand). Cytogenetic location: 10p12.1.
Variant type: single nucleotide variant.
Coding change: c.2855A>C on transcript NM_014915.3 (MANE Select); coding-DNA position 2855, A replaced by C.
Protein change: p.Lys952Thr; replaces lysine 952 with threonine.
Molecular consequence: missense variant.
Genome position (GRCh38, 1-based): chr10:27,035,595, T>G on the plus strand (A>C on the coding strand, the complement: ANKRD26 is on the minus strand). VCF-style: chr10-27035595-T-G. GRCh37 (hg19) VCF-style: chr10-27324524-T-G.
Other names: c.2852A>C, p.Lys951Thr (NM_001256053.2); short protein forms K951T, K952T.
Identifiers: ClinVar variation 1327670 (VCV001327670.32), dbSNP rs564448342, ClinGen allele CA5448134.
Genomic context (GRCh38, chr10:27,035,595, plus strand): 5'-GATATTGTTTGTGTTAATGTTTCCTCATTCTGTTTTATAGTCTTCTGAAGGTCTTCATTC[T>G]TTTCTTTTACAATTTTAAGGTCCTCAAAACATTTCTTTTCTTTTTCCTGGTTTTGATTTT-3'
Protein context (NP_055730.2, residues 942-962): CFEDLKIVKE[Lys952Thr]NEDLQKTIKQ

ClinVar aggregate classification (germline): Conflicting classifications of pathogenicity. Review status: criteria provided, conflicting classifications (1 of 4 stars). 5 submissions from 5 submitters: Uncertain significance (1); Benign (1); Likely benign (2). 1 of the submissions does not count toward it. Last evaluated 2025-07-09.

Conditions:
ANKRD26-related disorder. Also called: ANKRD26-related condition.

Allele frequency attached by ClinVar (database versions not stated): TOPMed 0.00004; gnomAD exomes 0.00015 and 0.00035; ExAC 0.00036; 1000 Genomes Project 30x 0.00156; 1000 Genomes Project 0.00200.
gnomAD v4.1: 239 of 1,606,364 alleles (0.015%); highest among the groups gnomAD compares: South Asian, 0.23%; 2 homozygotes.

Submissions (5):

Labcorp Genetics (formerly Invitae), Labcorp
Classification: Likely benign. Last evaluated: 2025-07-09. Review status: criteria provided, single submitter. Criteria: Invitae Variant Classification Sherloc (09022015). Collection method: clinical testing. Allele origin: germline.

Blueprint Genetics
Classification: Likely benign. Last evaluated: 2024-11-27. Review status: criteria provided, single submitter. Criteria: ACMG Guidelines, 2015. Collection method: clinical testing. Allele origin: germline.

CeGaT Center for Human Genetics Tuebingen
Classification: Benign. Last evaluated: 2022-08-01. Review status: criteria provided, single submitter. Criteria: CeGaT Center For Human Genetics Tuebingen Variant Classification Criteria Version 2. Collection method: clinical testing. Allele origin: germline. Affected: yes. Observed: 1 variant allele.
Comment: ANKRD26: BS1, BS2

GeneDx
Classification: Uncertain significance. Last evaluated: 2021-06-08. Review status: criteria provided, single submitter. Criteria: GeneDx Variant Classification Process June 2021. Collection method: clinical testing. Allele origin: germline. Affected: yes.
Comment: In silico analysis supports that this missense variant has a deleterious effect on protein structure/function; Has not been previously published as pathogenic or benign to our knowledge; This variant is associated with the following publications: (PMID: 27535533)

PreventionGenetics, part of Exact Sciences
Classification: Likely benign for ANKRD26-related condition. Last evaluated: 2019-06-19. Review status: no assertion criteria provided. Collection method: clinical testing. Allele origin: germline. Not counted in ClinVar's aggregate classification.
Comment: This variant is classified as likely benign based on ACMG/AMP sequence variant interpretation guidelines (Richards et al. 2015 PMID: 25741868, with internal and published modifications).